The following is an entry in ClinVar:

ClinVar aggregate classification (germline): Uncertain significance. Review status: criteria provided, multiple submitters, no conflicts (2 of 4 stars). 3 submissions from 3 submitters: Uncertain significance (3). Last evaluated 2024-11-18.

Conditions:
Severe combined immunodeficiency due to DNA-PKcs deficiency. Also called: Immunodeficiency 26 with or without neurologic abnormalities; IMMUNODEFICIENCY 26 WITH NEUROLOGIC ABNORMALITIES. Identifiers: Orphanet 317425, MedGen C4014833, MONDO:0014423, OMIM 615966.

Allele frequency attached by ClinVar (database versions not stated): ExAC 0.00003; gnomAD 0.00003 and 0.00004; gnomAD exomes 0.00004; TOPMed 0.00006.
gnomAD v4.1: 48 of 1,613,856 alleles (0.003%); highest among the groups gnomAD compares: Non-Finnish European, 0.0024%; no homozygotes.

Submissions (3):

Blueprint Genetics
Classification: Uncertain significance. Last evaluated: 2024-11-18. Review status: criteria provided, single submitter. Criteria: ACMG Guidelines, 2015. Collection method: clinical testing. Allele origin: germline.

Labcorp Genetics (formerly Invitae), Labcorp
Classification: Uncertain significance for Severe combined immunodeficiency due to DNA-PKcs deficiency. Last evaluated: 2022-07-25. Review status: criteria provided, single submitter. Criteria: Invitae Variant Classification Sherloc (09022015). Collection method: clinical testing. Allele origin: germline.
Comment: This sequence change replaces arginine, which is basic and polar, with histidine, which is basic and polar, at codon 3282 of the PRKDC protein (p.Arg3282His). This variant is present in population databases (rs758666662, gnomAD 0.03%). This variant has not been reported in the literature in individuals affected with PRKDC-related conditions. ClinVar contains an entry for this variant (Variation ID: 582251). Experimental studies and prediction algorithms are not available or were not evaluated, and the functional significance of this variant is currently unknown. In summary, the available evidence is currently insufficient to determine the role of this variant in disease. Therefore, it has been classified as a Variant of Uncertain Significance.

Breakthrough Genomics
Classification: Uncertain significance. Review status: criteria provided, single submitter. Criteria: ACMG Guidelines, 2015. Collection method: not provided. Allele origin: germline. Inheritance: Autosomal recessive inheritance. Affected: yes.

NM_006904.7(PRKDC):c.9845G>A (p.Arg3282His)

Gene: PRKDC (protein kinase, DNA-activated, catalytic subunit; minus strand). Cytogenetic location: 8q11.21.
Variant type: single nucleotide variant.
Coding change: c.9845G>A on transcript NM_006904.7 (MANE Select); coding-DNA position 9845, G replaced by A.
Protein change: p.Arg3282His; replaces arginine 3282 with histidine.
Molecular consequence: missense variant.
Genome position (GRCh38, 1-based): chr8:47,803,383, C>T on the plus strand (G>A on the coding strand, the complement: PRKDC is on the minus strand). VCF-style: chr8-47803383-C-T. GRCh37 (hg19) VCF-style: chr8-48715944-C-T.
Other names: c.9845G>A, p.Arg3282His (NM_001081640.2); short protein forms R3282H.
Identifiers: ClinVar variation 582251 (VCV000582251.4), dbSNP rs758666662, ClinGen allele CA4739472.